The following is an entry in ClinVar:

ClinVar aggregate classification (germline): Pathogenic/Likely pathogenic. Review status: criteria provided, multiple submitters, no conflicts (2 of 4 stars). 2 submissions from 2 submitters: Pathogenic (1); Likely pathogenic (1). Last evaluated 2022-01-23.

Conditions:
Charcot-Marie-Tooth disease type 4. Also called: Charcot-Marie-Tooth, Type 4; Charcot-Marie-Tooth disease, type IV. Identifiers: Orphanet 64749, MedGen C4082197, MONDO:0018995.

Submissions (2):

Labcorp Genetics (formerly Invitae), Labcorp
Classification: Pathogenic for Charcot-Marie-Tooth disease type 4. Last evaluated: 2022-01-23. Review status: criteria provided, single submitter. Criteria: Invitae Variant Classification Sherloc (09022015). Collection method: clinical testing. Allele origin: germline.
Comment: For these reasons, this variant has been classified as Pathogenic. ClinVar contains an entry for this variant (Variation ID: 809982). This variant has not been reported in the literature in individuals affected with FIG4-related conditions. This variant is not present in population databases (gnomAD no frequency). This sequence change creates a premature translational stop signal (p.Tyr106Cysfs*5) in the FIG4 gene. It is expected to result in an absent or disrupted protein product. Loss-of-function variants in FIG4 are known to be pathogenic (PMID: 23623387).

CeGaT Center for Human Genetics Tuebingen
Classification: Likely pathogenic. Last evaluated: 2016-06-01. Review status: criteria provided, single submitter. Criteria: CeGaT Center For Human Genetics Tuebingen Variant Classification Criteria Version 2. Collection method: clinical testing. Allele origin: germline. Affected: yes. Observed: 1 variant allele.

Literature cited by the submitters: PubMed 23623387 (cited by Labcorp Genetics (formerly Invitae), Labcorp).

NM_014845.6(FIG4):c.317_321del (p.Tyr106fs)

Gene: FIG4 (FIG4 phosphoinositide 5-phosphatase; plus strand). Cytogenetic location: 6q21.
Variant type: Deletion.
Coding change: c.317_321del on transcript NM_014845.6 (MANE Select); coding-DNA positions 317 to 321, 5 bases deleted (ATATT; older notation c.317_321delATATT).
Protein change: p.Tyr106fs; shifts the reading frame from tyrosine 106.
Molecular consequence: frameshift variant.
Genome position (GRCh38, 1-based): chr6:109,727,136-109,727,140, ATATT deleted; deleting any 5 consecutive bases within chr6:109,727,132-109,727,140 gives the same sequence; the c. name uses the placement nearest the transcript's 3' end. VCF-style (leftmost placement, unchanged base first): chr6-109727131-CTATTA-C. GRCh37 (hg19) VCF-style: chr6-110048334-CTATTA-C.
Other names: short protein forms Y106fs.
Identifiers: ClinVar variation 809982 (VCV000809982.46), dbSNP rs1562648414, ClinGen allele CA915943603.